The following is an entry in ClinVar:

ClinVar aggregate classification (germline): Likely benign. Review status: criteria provided, single submitter (1 of 4 stars). 2 submissions from 2 submitters: Likely benign (1). 1 of the submissions does not count toward it. Last evaluated 2022-10-24.

Conditions:
USH2A-related disorder. Also called: USH2A-related disorders; USH2A-related condition. Identifiers: MedGen CN239332.

Allele frequency attached by ClinVar (database versions not stated): gnomAD 0.00001; TOPMed 0.00001.
gnomAD v4.1: 2 of 1,614,002 alleles (0.00012%); highest among the groups gnomAD compares: Admixed American, 0.0017%; no homozygotes.

Submissions (2):

Labcorp Genetics (formerly Invitae), Labcorp
Classification: Likely benign. Last evaluated: 2022-10-24. Review status: criteria provided, single submitter. Criteria: Invitae Variant Classification Sherloc (09022015). Collection method: clinical testing. Allele origin: germline.

PreventionGenetics, part of Exact Sciences
Classification: Likely benign for USH2A-related condition. Last evaluated: 2020-07-17. Review status: no assertion criteria provided. Collection method: clinical testing. Allele origin: germline. Not counted in ClinVar's aggregate classification.
Comment: This variant is classified as likely benign based on ACMG/AMP sequence variant interpretation guidelines (Richards et al. 2015 PMID: 25741868, with internal and published modifications).

NM_206933.4(USH2A):c.13620G>A (p.Leu4540=)

Gene: USH2A (usherin; minus strand). Cytogenetic location: 1q41.
Variant type: single nucleotide variant.
Coding change: c.13620G>A on transcript NM_206933.4 (MANE Select); coding-DNA position 13620, G replaced by A.
Protein change: p.Leu4540=; no amino-acid change (leucine 4540 retained).
Molecular consequence: synonymous variant.
Genome position (GRCh38, 1-based): chr1:215,674,291, C>T on the plus strand (G>A on the coding strand, the complement: USH2A is on the minus strand). VCF-style: chr1-215674291-C-T. GRCh37 (hg19) VCF-style: chr1-215847633-C-T.
Other names: c.13620G>A (NM_206933.2).
Identifiers: ClinVar variation 1119118 (VCV001119118.11), dbSNP rs751356779, ClinGen allele CA423427594.